The following is an entry in ClinVar:

ClinVar aggregate classification (germline): Uncertain significance (1 of 4 stars; one submission).

Conditions:
Bloom syndrome (BLM). Also called: Bloom-Torre-Machacek syndrome. Identifiers: Orphanet 125, MedGen C0005859, MONDO:0008876, OMIM 210900.

Submission:

Labcorp Genetics (formerly Invitae), Labcorp
Classification: Uncertain significance for Bloom syndrome. Last evaluated: 2023-09-21. Review status: criteria provided, single submitter. Criteria: Invitae Variant Classification Sherloc (09022015). Collection method: clinical testing. Allele origin: germline.
Comment: In summary, the available evidence is currently insufficient to determine the role of this variant in disease. Therefore, it has been classified as a Variant of Uncertain Significance. Advanced modeling of protein sequence and biophysical properties (such as structural, functional, and spatial information, amino acid conservation, physicochemical variation, residue mobility, and thermodynamic stability) performed at Invitae indicates that this missense variant is not expected to disrupt BLM protein function. This variant has not been reported in the literature in individuals affected with BLM-related conditions. This variant is not present in population databases (gnomAD no frequency). This sequence change replaces threonine, which is neutral and polar, with proline, which is neutral and non-polar, at codon 482 of the BLM protein (p.Thr482Pro).

NM_000057.4(BLM):c.1444A>C (p.Thr482Pro)

Gene: BLM (BLM RecQ like helicase; plus strand). Cytogenetic location: 15q26.1.
Variant type: single nucleotide variant.
Coding change: c.1444A>C on transcript NM_000057.4 (MANE Select); coding-DNA position 1444, A replaced by C.
Protein change: p.Thr482Pro; replaces threonine 482 with proline.
Molecular consequence: missense variant.
Genome position (GRCh38, 1-based): chr15:90,760,817, A>C. VCF-style: chr15-90760817-A-C. GRCh37 (hg19) VCF-style: chr15-91304047-A-C.
Other names: c.1444A>C, p.Thr482Pro (NM_001287246.2, NM_001287247.2); c.319A>C, p.Thr107Pro (NM_001287248.2); short protein forms T107P, T482P.
Identifiers: ClinVar variation 2781728 (VCV002781728.3), dbSNP rs1179030077, ClinGen allele CA393843070.